The following is an entry in ClinVar:

NM_015040.4(PIKFYVE):c.2045A>G (p.Asn682Ser)

Gene: PIKFYVE (phosphoinositide kinase, FYVE-type zinc finger containing; plus strand). Cytogenetic location: 2q34.
Variant type: single nucleotide variant.
Coding change: c.2045A>G on transcript NM_015040.4 (MANE Select); coding-DNA position 2045, A replaced by G.
Protein change: p.Asn682Ser; replaces asparagine 682 with serine.
Molecular consequence: missense variant.
Genome position (GRCh38, 1-based): chr2:208,317,904, A>G. VCF-style: chr2-208317904-A-G. GRCh37 (hg19) VCF-style: chr2-209182628-A-G.
Other names: c.2045A>G (NM_015040.3); short protein forms N682S.
Identifiers: ClinVar variation 2728180 (VCV002728180.4), dbSNP rs141572516, ClinGen allele CA2079718.

ClinVar aggregate classification (germline): Uncertain significance. Review status: criteria provided, multiple submitters, no conflicts (2 of 4 stars). 2 submissions from 2 submitters: Uncertain significance (2). Last evaluated 2024-10-17.

Conditions:
PIKFYVE-related disorder. Also called: PIKFYVE-related condition.

Allele frequency attached by ClinVar (database versions not stated): gnomAD 0.00019; TOPMed 0.00025; ExAC 0.00026; 1000 Genomes Project 30x 0.00031; 1000 Genomes Project 0.00040; ESP Exome Variant Server 0.00031; gnomAD exomes 0.00035.
gnomAD v4.1: 549 of 1,614,052 alleles (0.034%); highest among the groups gnomAD compares: Admixed American, 0.042%; 1 homozygote.

Submissions (2):

PreventionGenetics, part of Exact Sciences
Classification: Uncertain significance for PIKFYVE-related condition. Last evaluated: 2024-10-17. Review status: criteria provided, single submitter. Criteria: ACMG Guidelines, 2015. Collection method: clinical testing. Allele origin: germline.
Comment: The PIKFYVE c.2045A>G variant is predicted to result in the amino acid substitution p.Asn682Ser. To our knowledge, this variant has not been reported in the literature. This variant is reported in 0.042% of alleles in individuals of Latino descent in gnomAD. Although we suspect that this variant may be benign, at this time, the clinical significance of this variant is uncertain due to the absence of conclusive functional and genetic evidence.

Labcorp Genetics (formerly Invitae), Labcorp
Classification: Uncertain significance. Last evaluated: 2023-08-27. Review status: criteria provided, single submitter. Criteria: Invitae Variant Classification Sherloc (09022015). Collection method: clinical testing. Allele origin: germline.
Comment: This variant has not been reported in the literature in individuals affected with PIKFYVE-related conditions. In summary, the available evidence is currently insufficient to determine the role of this variant in disease. Therefore, it has been classified as a Variant of Uncertain Significance. Algorithms developed to predict the effect of missense changes on protein structure and function output the following: SIFT: "Not Available"; PolyPhen-2: "Benign"; Align-GVGD: "Not Available". The serine amino acid residue is found in multiple mammalian species, which suggests that this missense change does not adversely affect protein function. This variant is present in population databases (rs141572516, gnomAD 0.04%), and has an allele count higher than expected for a pathogenic variant. This sequence change replaces asparagine, which is neutral and polar, with serine, which is neutral and polar, at codon 682 of the PIKFYVE protein (p.Asn682Ser).